The following is an entry in ClinVar:

NM_002354.3(EPCAM):c.172A>T (p.Ile58Phe)

Gene: EPCAM (epithelial cell adhesion molecule; plus strand). Cytogenetic location: 2p21.
Variant type: single nucleotide variant.
Coding change: c.172A>T on transcript NM_002354.3 (MANE Select); coding-DNA position 172, A replaced by T.
Protein change: p.Ile58Phe; replaces isoleucine 58 with phenylalanine.
Molecular consequence: missense variant.
Genome position (GRCh38, 1-based): chr2:47,373,558, A>T. VCF-style: chr2-47373558-A-T. GRCh37 (hg19) VCF-style: chr2-47600697-A-T.
Other names: short protein forms I58F.
Identifiers: ClinVar variation 1778937 (VCV001778937.2), dbSNP rs766137056, ClinGen allele CA346722666.

ClinVar aggregate classification (germline): Uncertain significance (1 of 4 stars; one submission).

Conditions:
Hereditary cancer-predisposing syndrome. Also called: Neoplastic Syndromes, Hereditary; Tumor predisposition; Hereditary Cancer Syndrome; Hereditary neoplastic syndrome. Identifiers: Orphanet 140162, MedGen C0027672, MeSH D009386, MONDO:0015356.

Submission:

Ambry Genetics
Classification: Uncertain significance for Hereditary cancer-predisposing syndrome. Last evaluated: 2022-09-23. Review status: criteria provided, single submitter. Criteria: Ambry Variant Classification Scheme 2023. Collection method: clinical testing. Allele origin: germline.
Comment: The p.I58F variant (also known as c.172A>T), located in coding exon 2 of the EPCAM gene, results from an A to T substitution at nucleotide position 172. The isoleucine at codon 58 is replaced by phenylalanine, an amino acid with highly similar properties. This amino acid position is conserved. In addition, this alteration is predicted to be tolerated by in silico analysis. Since supporting evidence is limited at this time, the clinical significance of this alteration remains unclear.